The following is an entry in ClinVar:

ClinVar aggregate classification (germline): Uncertain significance (1 of 4 stars; one submission).

Submission:

Labcorp Genetics (formerly Invitae), Labcorp
Classification: Uncertain significance. Last evaluated: 2021-05-06. Review status: criteria provided, single submitter. Criteria: Invitae Variant Classification Sherloc (09022015). Collection method: clinical testing. Allele origin: germline.
Comment: This sequence change replaces alanine with valine at codon 608 of the DNAH9 protein (p.Ala608Val). The alanine residue is moderately conserved and there is a small physicochemical difference between alanine and valine. This variant is not present in population databases (ExAC no frequency). This variant has not been reported in the literature in individuals with DNAH9-related conditions. Algorithms developed to predict the effect of missense changes on protein structure and function are either unavailable or do not agree on the potential impact of this missense change (SIFT: "Deleterious"; PolyPhen-2: "Probably Damaging"; Align-GVGD: "Class C0"). In summary, the available evidence is currently insufficient to determine the role of this variant in disease. Therefore, it has been classified as a Variant of Uncertain Significance.

NM_001372.4(DNAH9):c.1823C>T (p.Ala608Val)

Gene: DNAH9 (dynein axonemal heavy chain 9; plus strand). Cytogenetic location: 17p12.
Variant type: single nucleotide variant.
Coding change: c.1823C>T on transcript NM_001372.4 (MANE Select); coding-DNA position 1823, C replaced by T.
Protein change: p.Ala608Val; replaces alanine 608 with valine.
Molecular consequence: missense variant.
Genome position (GRCh38, 1-based): chr17:11,640,306, C>T. VCF-style: chr17-11640306-C-T. GRCh37 (hg19) VCF-style: chr17-11543623-C-T.
Other names: short protein forms A608V.
Identifiers: ClinVar variation 1478910 (VCV001478910.8), dbSNP rs2150684819, ClinGen allele CA398169654.